The following is an entry in ClinVar:

NM_000548.5(TSC2):c.2545+9C>T

Gene: TSC2 (TSC complex subunit 2; plus strand). Cytogenetic location: 16p13.3.
Variant type: single nucleotide variant.
Coding change: c.2545+9C>T on transcript NM_000548.5 (MANE Select); 9 bases into the intron after coding-DNA position 2545, C replaced by T.
Molecular consequence: intron variant.
Genome position (GRCh38, 1-based): chr16:2,074,398, C>T. VCF-style: chr16-2074398-C-T. GRCh37 (hg19) VCF-style: chr16-2124399-C-T.
Other names: c.2545+9C>T (NM_001114382.3, NM_021055.3, NM_001370405.1 and 3 more transcripts); c.2434+9C>T (NM_001318827.2); c.1945+9C>T (NM_001318831.2); c.2398+9C>T (NM_001318829.2); c.2578+9C>T (NM_001318832.2).
Identifiers: ClinVar variation 467949 (VCV000467949.13), dbSNP rs369385105, ClinGen allele CA039652.

ClinVar aggregate classification (germline): Likely benign. Review status: criteria provided, multiple submitters, no conflicts (2 of 4 stars). 3 submissions from 3 submitters: Likely benign (3). Last evaluated 2026-01-24.

Conditions:
Tuberous sclerosis 2 (TSC2). Identifiers: Orphanet 805, MedGen C1860707, MONDO:0013199, OMIM 613254.

Allele frequency attached by ClinVar (database versions not stated): TOPMed 0.00001.
gnomAD v4.1: 16 of 1,608,782 alleles (0.00099%); highest among the groups gnomAD compares: Non-Finnish European, 0.0014%; no homozygotes.

Submissions (3):

Labcorp Genetics (formerly Invitae), Labcorp
Classification: Likely benign for Tuberous sclerosis 2. Last evaluated: 2026-01-24. Review status: criteria provided, single submitter. Criteria: Invitae Variant Classification Sherloc (09022015). Collection method: clinical testing. Allele origin: germline.

Myriad Genetics, Inc.
Classification: Likely benign for Tuberous sclerosis 2. Last evaluated: 2025-05-20. Review status: criteria provided, single submitter. Criteria: Myriad Autosomal Dominant, Autosomal Recessive and X-Linked Classification Criteria (2023). Collection method: clinical testing. Allele origin: unknown.
Comment: This variant is considered likely benign. This variant is intronic and is not expected to impact mRNA splicing.

Blueprint Genetics
Classification: Likely benign. Last evaluated: 2024-03-11. Review status: criteria provided, single submitter. Criteria: ACMG Guidelines, 2015. Collection method: clinical testing. Allele origin: germline.